The following is an entry in ClinVar:

NM_000179.3(MSH6):c.2474T>A (p.Ile825Asn)

Gene: MSH6 (mutS homolog 6; plus strand). Cytogenetic location: 2p16.3.
Variant type: single nucleotide variant.
Coding change: c.2474T>A on transcript NM_000179.3 (MANE Select); coding-DNA position 2474, T replaced by A.
Protein change: p.Ile825Asn; replaces isoleucine 825 with asparagine.
Molecular consequence: missense variant.
Genome position (GRCh38, 1-based): chr2:47,800,457, T>A. VCF-style: chr2-47800457-T-A. GRCh37 (hg19) VCF-style: chr2-48027596-T-A.
Other names: c.2084T>A, p.Ile695Asn (NM_001281492.2); c.1568T>A, p.Ile523Asn (NM_001281493.2, NM_001281494.2); short protein forms I523N, I825N, I695N.
Identifiers: ClinVar variation 838268 (VCV000838268.12), dbSNP rs1669467866, ClinGen allele CA346754138.

ClinVar aggregate classification (germline): Uncertain significance. Review status: criteria provided, multiple submitters, no conflicts (2 of 4 stars). 2 submissions from 2 submitters: Uncertain significance (2). Last evaluated 2026-01-01.

Conditions:
Hereditary nonpolyposis colorectal neoplasms. Identifiers: MedGen C0009405, MeSH D003123.
Hereditary cancer-predisposing syndrome. Also called: Neoplastic Syndromes, Hereditary; Tumor predisposition; Hereditary neoplastic syndrome; Hereditary Cancer Syndrome. Identifiers: Orphanet 140162, MedGen C0027672, MeSH D009386, MONDO:0015356.

Submissions (2):

Labcorp Genetics (formerly Invitae), Labcorp
Classification: Uncertain significance for Hereditary nonpolyposis colorectal neoplasms. Last evaluated: 2026-01-01. Review status: criteria provided, single submitter. Criteria: Invitae Variant Classification Sherloc (09022015). Collection method: clinical testing. Allele origin: germline.
Comment: This sequence change replaces isoleucine, which is neutral and non-polar, with asparagine, which is neutral and polar, at codon 825 of the MSH6 protein (p.Ile825Asn). This variant is not present in population databases (gnomAD no frequency). This variant has not been reported in the literature in individuals affected with MSH6-related conditions. ClinVar contains an entry for this variant (Variation ID: 838268). Invitae Evidence Modeling of protein sequence and biophysical properties (such as structural, functional, and spatial information, amino acid conservation, physicochemical variation, residue mobility, and thermodynamic stability) indicates that this missense variant is expected to disrupt MSH6 protein function with a positive predictive value of 80%. In summary, the available evidence is currently insufficient to determine the role of this variant in disease. Therefore, it has been classified as a Variant of Uncertain Significance.

Ambry Genetics
Classification: Uncertain significance for Hereditary cancer-predisposing syndrome. Last evaluated: 2023-05-10. Review status: criteria provided, single submitter. Criteria: Ambry Variant Classification Scheme 2023. Collection method: clinical testing. Allele origin: germline.
Comment: The p.I825N variant (also known as c.2474T>A), located in coding exon 4 of the MSH6 gene, results from a T to A substitution at nucleotide position 2474. The isoleucine at codon 825 is replaced by asparagine, an amino acid with dissimilar properties. This amino acid position is highly conserved in available vertebrate species. In addition, this alteration is predicted to be deleterious by in silico analysis. Since supporting evidence is limited at this time, the clinical significance of this alteration remains unclear.